The following is an entry in ClinVar:

ClinVar aggregate classification (germline): Uncertain significance (1 of 4 stars; one submission).

Submission:

GeneDx
Classification: Uncertain significance. Last evaluated: 2026-03-20. Review status: criteria provided, single submitter. Criteria: GeneDx Variant Classification Process June 2021. Collection method: clinical testing. Allele origin: germline.
Comment: Not observed at significant frequency in large population cohorts (gnomAD); In silico analysis supports that this missense variant has a deleterious effect on protein structure/function; Has not been previously published as pathogenic or benign to our knowledge.

NM_001318852.2(MAPK8IP3):c.3043G>A (p.Val1015Met)

Gene: MAPK8IP3 (mitogen-activated protein kinase 8 interacting protein 3; plus strand). Cytogenetic location: 16p13.3.
Variant type: single nucleotide variant.
Coding change: c.3043G>A on transcript NM_001318852.2 (MANE Select); coding-DNA position 3043, G replaced by A.
Protein change: p.Val1015Met; replaces valine 1015 with methionine.
Molecular consequence: missense variant.
Genome position (GRCh38, 1-based): chr16:1,766,926, G>A. VCF-style: chr16-1766926-G-A. GRCh37 (hg19) VCF-style: chr16-1816927-G-A.
Other names: c.3022G>A, p.Val1008Met (NM_001040439.2); c.3040G>A, p.Val1014Met (NM_015133.5); short protein forms V1008M, V1014M, V1015M.
Identifiers: ClinVar variation 5009393 (VCV005009393.1).